The following is an entry in ClinVar:

ClinVar aggregate classification (germline): Uncertain significance. Review status: criteria provided, multiple submitters, no conflicts (2 of 4 stars). 3 submissions from 3 submitters: Uncertain significance (3). Last evaluated 2024-03-07.

Conditions:
Hereditary spastic paraplegia 54. Also called: Spastic paraplegia 54, autosomal recessive. Identifiers: Orphanet 320380, MedGen C3539495, MONDO:0014018, OMIM 615033.
Inborn genetic diseases. Identifiers: MedGen C0950123, MeSH D030342.

Allele frequency attached by ClinVar (database versions not stated): gnomAD exomes 0.00001; ExAC 0.00002; TOPMed 0.00003; gnomAD 0.00004 and 0.00005; ESP Exome Variant Server 0.00008; 1000 Genomes Project 30x 0.00016.
gnomAD v4.1: 28 of 1,614,090 alleles (0.0017%); highest among the groups gnomAD compares: Admixed American, 0.005%; no homozygotes.

Submissions (3):

Ambry Genetics
Classification: Uncertain significance for Inborn genetic diseases. Last evaluated: 2024-03-07. Review status: criteria provided, single submitter. Criteria: Ambry Variant Classification Scheme 2023. Collection method: clinical testing. Allele origin: germline.

Labcorp Genetics (formerly Invitae), Labcorp
Classification: Uncertain significance for Hereditary spastic paraplegia 54. Last evaluated: 2022-04-13. Review status: criteria provided, single submitter. Criteria: Invitae Variant Classification Sherloc (09022015). Collection method: clinical testing. Allele origin: germline.
Comment: This sequence change replaces serine, which is neutral and polar, with leucine, which is neutral and non-polar, at codon 593 of the DDHD2 protein (p.Ser593Leu). This variant is present in population databases (rs371592123, gnomAD 0.003%). This variant has not been reported in the literature in individuals affected with DDHD2-related conditions. Algorithms developed to predict the effect of missense changes on protein structure and function are either unavailable or do not agree on the potential impact of this missense change (SIFT: "Deleterious"; PolyPhen-2: "Probably Damaging"; Align-GVGD: "Class C15"). In summary, the available evidence is currently insufficient to determine the role of this variant in disease. Therefore, it has been classified as a Variant of Uncertain Significance.

Blueprint Genetics
Classification: Uncertain significance. Last evaluated: 2018-10-24. Review status: criteria provided, single submitter. Criteria: ACMG Guidelines, 2015. Collection method: clinical testing. Allele origin: germline.

NM_015214.3(DDHD2):c.1778C>T (p.Ser593Leu)

Gene: DDHD2 (DDHD domain containing 2; plus strand). Cytogenetic location: 8p11.23.
Variant type: single nucleotide variant.
Coding change: c.1778C>T on transcript NM_015214.3 (MANE Select); coding-DNA position 1778, C replaced by T.
Protein change: p.Ser593Leu; replaces serine 593 with leucine.
Molecular consequence: missense variant. On other transcripts: non-coding transcript variant (2).
Genome position (GRCh38, 1-based): chr8:38,253,014, C>T. VCF-style: chr8-38253014-C-T. GRCh37 (hg19) VCF-style: chr8-38110532-C-T.
Other names: c.1778C>T, p.Ser593Leu (NM_001164232.2, NM_001362911.2, NM_001362912.2 and 1 more transcripts); c.1688C>T, p.Ser563Leu (NM_001362913.2); c.1778C>T (NM_015214.2); short protein forms S593L, S563L.
Identifiers: ClinVar variation 1384741 (VCV001384741.5), dbSNP rs371592123, ClinGen allele CA4716366.